The following is an entry in ClinVar:

ClinVar aggregate classification (germline): Uncertain significance (1 of 4 stars; one submission).

Conditions:
RASopathy. Also called: rasopathies; Noonan spectrum disorder. Identifiers: Orphanet 536391, MedGen C5555857, MONDO:0021060.

Submission:

Labcorp Genetics (formerly Invitae), Labcorp
Classification: Uncertain significance for RASopathy. Last evaluated: 2021-05-13. Review status: criteria provided, single submitter. Criteria: Invitae Variant Classification Sherloc (09022015). Collection method: clinical testing. Allele origin: germline.
Comment: In summary, the available evidence is currently insufficient to determine the role of this variant in disease. Therefore, it has been classified as a Variant of Uncertain Significance. Algorithms developed to predict the effect of sequence changes on RNA splicing suggest that this variant may create or strengthen a splice site, but this prediction has not been confirmed by published transcriptional studies. Advanced modeling of protein sequence and biophysical properties (such as structural, functional, and spatial information, amino acid conservation, physicochemical variation, residue mobility, and thermodynamic stability) performed at Invitae indicates that this missense variant is not expected to disrupt KRAS protein function. This variant has not been reported in the literature in individuals with KRAS-related conditions. This variant is not present in population databases (ExAC no frequency). This sequence change replaces aspartic acid with glutamic acid at codon 108 of the KRAS protein (p.Asp108Glu). The aspartic acid residue is highly conserved and there is a small physicochemical difference between aspartic acid and glutamic acid.

NM_004985.5(KRAS):c.324T>G (p.Asp108Glu)

Gene: KRAS (KRAS proto-oncogene, GTPase; minus strand). Cytogenetic location: 12p12.1.
Variant type: single nucleotide variant.
Coding change: c.324T>G on transcript NM_004985.5 (MANE Select); coding-DNA position 324, T replaced by G.
Protein change: p.Asp108Glu; replaces aspartic acid 108 with glutamic acid.
Molecular consequence: missense variant.
Genome position (GRCh38, 1-based): chr12:25,225,740, A>C on the plus strand (T>G on the coding strand, the complement: KRAS is on the minus strand). VCF-style: chr12-25225740-A-C. GRCh37 (hg19) VCF-style: chr12-25378674-A-C.
Other names: c.324T>G, p.Asp108Glu (NM_001369786.1, NM_001369787.1, NM_033360.4); short protein forms D108E.
Identifiers: ClinVar variation 1518585 (VCV001518585.8), dbSNP rs1264149117, ClinGen allele CA384151543.